The following is an entry in ClinVar:

ClinVar aggregate classification (germline): Uncertain significance (1 of 4 stars; one submission).

Conditions:
Familial adenomatous polyposis 1 (FAP1). Also called: POLYPOSIS, ADENOMATOUS INTESTINAL; FAMILIAL ADENOMATOUS POLYPOSIS 1, ATTENUATED. Identifiers: MedGen C2713442, MONDO:0021056, OMIM 175100. Disease mechanism: loss of function.

Submission:

Labcorp Genetics (formerly Invitae), Labcorp
Classification: Uncertain significance for Familial adenomatous polyposis 1. Last evaluated: 2026-01-17. Review status: criteria provided, single submitter. Criteria: Invitae Variant Classification Sherloc (09022015). Collection method: clinical testing. Allele origin: germline.
Comment: This variant occurs in a non-coding region of the APC gene. It does not change the encoded amino acid sequence of the APC protein. This variant is not present in population databases (gnomAD no frequency). This variant has not been reported in the literature in individuals affected with APC-related conditions. Experimental studies and prediction algorithms are not available or were not evaluated, and the functional significance of this variant is currently unknown. In summary, the available evidence is currently insufficient to determine the role of this variant in disease. Therefore, it has been classified as a Variant of Uncertain Significance.

NC_000005.10:g.112707458C>T

Gene: APC (APC regulator of Wnt signaling pathway; plus strand). Cytogenetic location: 5q22.2.
Variant type: single nucleotide variant.
Genome position: GRCh38 VCF-style: chr5-112707458-C-T. GRCh37 (hg19) VCF-style: chr5-112043155-C-T.
Identifiers: ClinVar variation 1045338 (VCV001045338.8), dbSNP rs748588164, ClinGen allele CA1573442323.
Genomic context (GRCh38, chr5:112,707,458, plus strand): 5'-AAGCAGTGCCCGGCAAGCGGAGCGCAGCACCCATTGCGCCTGCGCATAACAGGCTCTAGT[C>T]TCCGGGCTGTGGGAAGCCAGCAACACCTCTCACGCATGCGCATTGTAGTCTTCCCACCTC-3'